The following is an entry in ClinVar:

ClinVar aggregate classification (germline): Uncertain significance (1 of 4 stars; one submission).

Submission:

Ambry Genetics
Classification: Uncertain significance. Last evaluated: 2023-02-27. Review status: criteria provided, single submitter. Criteria: Ambry Variant Classification Scheme 2023. Collection method: clinical testing. Allele origin: germline.
Comment: The c.429G>C variant (also known as p.E143D), located in coding exon 4 of the KIF1B gene, results from a G to C substitution at nucleotide position 429. The amino acid change results in glutamic acid to aspartic acid at codon 143, an amino acid with highly similar properties. However, this change occurs in the last base pair of coding exon 4, which makes it likely to have some effect on normal mRNA splicing. This nucleotide position is highly conserved in available vertebrate species. This amino acid position is highly conserved in available vertebrate species. In silico splice site analysis predicts that this alteration may weaken the native splice donor site and may result in the creation or strengthening of a novel splice donor site. In addition, as a missense substitution this is predicted to be inconclusive by in silico analysis. The evidence for this gene-disease relationship is limited; therefore, the clinical significance of this alteration is unclear.

NM_001365951.3(KIF1B):c.429G>C (p.Glu143Asp)

Genes: KIF1B (kinesin family member 1B; plus strand), LOC129388447 (MPRA-validated peak65 silencer; plus strand). Cytogenetic location: 1p36.22.
Variant type: single nucleotide variant.
Coding change: c.429G>C on transcript NM_001365951.3 (MANE Select); coding-DNA position 429, G replaced by C.
Protein change: p.Glu143Asp; replaces glutamic acid 143 with aspartic acid.
Molecular consequence: missense variant.
Genome position (GRCh38, 1-based): chr1:10,261,970, G>C. VCF-style: chr1-10261970-G-C. GRCh37 (hg19) VCF-style: chr1-10322028-G-C.
Other names: c.429G>C, p.Glu143Asp (NM_001365952.1, NM_001365953.1, NM_015074.3 and 1 more transcripts); short protein forms E143D.
Identifiers: ClinVar variation 2448767 (VCV002448767.2), dbSNP rs2520967946, ClinGen allele CA338327256.